The following is an entry in ClinVar:

NM_001195263.2(PDZD7):c.2728G>A (p.Glu910Lys)

Gene: PDZD7 (PDZ domain containing 7; minus strand). Cytogenetic location: 10q24.31.
Variant type: single nucleotide variant.
Coding change: c.2728G>A on transcript NM_001195263.2 (MANE Select); coding-DNA position 2728, G replaced by A.
Protein change: p.Glu910Lys; replaces glutamic acid 910 with lysine.
Molecular consequence: missense variant.
Genome position (GRCh38, 1-based): chr10:101,008,841, C>T on the plus strand (G>A on the coding strand, the complement: PDZD7 is on the minus strand). VCF-style: chr10-101008841-C-T. GRCh37 (hg19) VCF-style: chr10-102768598-C-T.
Other names: short protein forms E910K.
Identifiers: ClinVar variation 2167430 (VCV002167430.4), dbSNP rs1220955623, ClinGen allele CA378223469.

ClinVar aggregate classification (germline): Uncertain significance (1 of 4 stars; one submission).

Allele frequency attached by ClinVar (database versions not stated): gnomAD 0.00001; gnomAD exomes 0.00001; TOPMed 0.00003.
gnomAD v4.1: 19 of 1,497,636 alleles (0.0013%); highest among the groups gnomAD compares: Non-Finnish European, 0.0016%; no homozygotes.

Submission:

Labcorp Genetics (formerly Invitae), Labcorp
Classification: Uncertain significance. Last evaluated: 2022-01-21. Review status: criteria provided, single submitter. Criteria: Invitae Variant Classification Sherloc (09022015). Collection method: clinical testing. Allele origin: germline.
Comment: In summary, the available evidence is currently insufficient to determine the role of this variant in disease. Therefore, it has been classified as a Variant of Uncertain Significance. Algorithms developed to predict the effect of missense changes on protein structure and function are either unavailable or do not agree on the potential impact of this missense change (SIFT: "Deleterious"; PolyPhen-2: "Not Available"; Align-GVGD: "Class C0"). This variant has not been reported in the literature in individuals affected with PDZD7-related conditions. This variant is not present in population databases (gnomAD no frequency). This sequence change replaces glutamic acid, which is acidic and polar, with lysine, which is basic and polar, at codon 910 of the PDZD7 protein (p.Glu910Lys).